The following is an entry in ClinVar:

ClinVar aggregate classification (germline): Uncertain significance. Review status: criteria provided, multiple submitters, no conflicts (2 of 4 stars). 2 submissions from 2 submitters: Uncertain significance (2). Last evaluated 2025-03-30.

Conditions:
Hereditary cancer-predisposing syndrome. Also called: Neoplastic Syndromes, Hereditary; Tumor predisposition; Hereditary Cancer Syndrome; Hereditary neoplastic syndrome. Identifiers: Orphanet 140162, MedGen C0027672, MeSH D009386, MONDO:0015356.

Allele frequency attached by ClinVar (database versions not stated): gnomAD exomes below 0.00001.
gnomAD v4.1: 1 of 1,614,034 alleles (0.000062%); highest among the groups gnomAD compares: Non-Finnish European, 0.000085%; no homozygotes.

Submissions (2):

Labcorp Genetics (formerly Invitae), Labcorp
Classification: Uncertain significance. Last evaluated: 2025-03-30. Review status: criteria provided, single submitter. Criteria: Invitae Variant Classification Sherloc (09022015). Collection method: clinical testing. Allele origin: germline.
Comment: This sequence change replaces leucine, which is neutral and non-polar, with isoleucine, which is neutral and non-polar, at codon 1873 of the POLE protein (p.Leu1873Ile). This variant is not present in population databases (gnomAD no frequency). This variant has not been reported in the literature in individuals affected with POLE-related conditions. ClinVar contains an entry for this variant (Variation ID: 640863). Invitae Evidence Modeling of protein sequence and biophysical properties (such as structural, functional, and spatial information, amino acid conservation, physicochemical variation, residue mobility, and thermodynamic stability) indicates that this missense variant is not expected to disrupt POLE protein function with a negative predictive value of 80%. In summary, the available evidence is currently insufficient to determine the role of this variant in disease. Therefore, it has been classified as a Variant of Uncertain Significance.

Ambry Genetics
Classification: Uncertain significance for Hereditary cancer-predisposing syndrome. Last evaluated: 2023-01-21. Review status: criteria provided, single submitter. Criteria: Ambry Variant Classification Scheme 2023. Collection method: clinical testing. Allele origin: germline.
Comment: The p.L1873I variant (also known as c.5617C>A), located in coding exon 41 of the POLE gene, results from a C to A substitution at nucleotide position 5617. The leucine at codon 1873 is replaced by isoleucine, an amino acid with highly similar properties. This amino acid position is conserved. In addition, this alteration is predicted to be tolerated by in silico analysis. Since supporting evidence is limited at this time, the clinical significance of this alteration remains unclear.

NM_006231.4(POLE):c.5617C>A (p.Leu1873Ile)

Gene: POLE (DNA polymerase epsilon, catalytic subunit; minus strand). Cytogenetic location: 12q24.33.
Variant type: single nucleotide variant.
Coding change: c.5617C>A on transcript NM_006231.4 (MANE Select); coding-DNA position 5617, C replaced by A.
Protein change: p.Leu1873Ile; replaces leucine 1873 with isoleucine.
Molecular consequence: missense variant.
Genome position (GRCh38, 1-based): chr12:132,638,075, G>T on the plus strand (C>A on the coding strand, the complement: POLE is on the minus strand). VCF-style: chr12-132638075-G-T. GRCh37 (hg19) VCF-style: chr12-133214661-G-T.
Other names: c.5617C>A (NM_006231.2); short protein forms L1873I.
Identifiers: ClinVar variation 640863 (VCV000640863.12), dbSNP rs1593719698, ClinGen allele CA387374090.
Genomic context (GRCh38, chr12:132,638,075, plus strand): 5'-TGCTGGTGATGTACTCCACGTAAGCGATGGCATCTTCCACACGGCGCTTCTTTGTACAGA[G>T]GATGATGCGGTTGAAGTTGGCGTAGATGACTGATGACCCCAGGCGCTTGAACTCAGCGAT-3'
Protein context (NP_006222.2, residues 1863-1883): VIYANFNRII[Leu1873Ile]CTKKRRVEDA